The following is an entry in ClinVar:

ClinVar aggregate classification (germline): Conflicting classifications of pathogenicity. Review status: criteria provided, conflicting classifications (1 of 4 stars). 8 submissions from 8 submitters: Uncertain significance (2); Benign (1); Likely benign (5). Last evaluated 2025-12-23.

Conditions:
Noonan syndrome and Noonan-related syndrome. Identifiers: Orphanet 98733, MedGen C5681679, MONDO:0020297.
Cardiovascular phenotype. Identifiers: MedGen CN230736.
SPRED1-related disorder. Also called: SPRED1-related condition.
Legius syndrome. Identifiers: Orphanet 137605, MedGen C1969623, MONDO:0012669, OMIM 611431. Disease mechanism: loss of function.

Allele frequency attached by ClinVar (database versions not stated): gnomAD 0.00011; TOPMed 0.00011; gnomAD exomes 0.00013 and 0.00021; ExAC 0.00016; ESP Exome Variant Server 0.00023.
gnomAD v4.1: 320 of 1,613,980 alleles (0.02%); highest among the groups gnomAD compares: Non-Finnish European, 0.025%; no homozygotes.

Submissions (8):

Labcorp Genetics (formerly Invitae), Labcorp
Classification: Likely benign for Legius syndrome. Last evaluated: 2025-12-23. Review status: criteria provided, single submitter. Criteria: Invitae Variant Classification Sherloc (09022015). Collection method: clinical testing. Allele origin: germline.

PreventionGenetics, part of Exact Sciences
Classification: Likely benign for SPRED1-related condition. Last evaluated: 2024-11-09. Review status: criteria provided, single submitter. Criteria: ACMG Guidelines, 2015. Collection method: clinical testing. Allele origin: germline.
Comment: This variant is classified as likely benign based on ACMG/AMP sequence variant interpretation guidelines (Richards et al. 2015 PMID: 25741868, with internal and published modifications).

Blueprint Genetics
Classification: Likely benign. Last evaluated: 2024-09-01. Review status: criteria provided, single submitter. Criteria: ACMG Guidelines, 2015. Collection method: clinical testing. Allele origin: germline.

Ambry Genetics
Classification: Likely benign for Cardiovascular phenotype. Last evaluated: 2022-03-16. Review status: criteria provided, single submitter. Criteria: Ambry Variant Classification Scheme 2023. Collection method: clinical testing. Allele origin: germline.

Women's Health and Genetics/Laboratory Corporation of America, LabCorp
Classification: Benign. Last evaluated: 2019-12-23. Review status: criteria provided, single submitter. Criteria: LabCorp Variant Classification Summary - May 2015. Collection method: clinical testing. Allele origin: germline.

GeneDx
Classification: Likely benign. Last evaluated: 2018-05-17. Review status: criteria provided, single submitter. Criteria: GeneDx Variant Classification (06012015). Collection method: clinical testing. Allele origin: germline. Affected: yes.
Comment: This variant is considered likely benign or benign based on one or more of the following criteria: it is a conservative change, it occurs at a poorly conserved position in the protein, it is predicted to be benign by multiple in silico algorithms, and/or has population frequency not consistent with disease.

Illumina Laboratory Services, Illumina
Classification: Uncertain significance for Legius syndrome. Last evaluated: 2018-01-12. Review status: criteria provided, single submitter. Criteria: ICSL Variant Classification Criteria 13 December 2019. Collection method: clinical testing. Allele origin: germline.

Genome Diagnostics Laboratory, The Hospital for Sick Children
Classification: Uncertain significance for Noonan syndrome and Noonan-related syndrome. Last evaluated: 2017-11-01. Review status: criteria provided, single submitter. Criteria: ACMG Guidelines, 2015. Collection method: clinical testing. Allele origin: germline.

NM_152594.3(SPRED1):c.963G>A (p.Lys321=)

Gene: SPRED1 (sprouty related EVH1 domain containing 1; plus strand). Cytogenetic location: 15q14.
Variant type: single nucleotide variant.
Coding change: c.963G>A on transcript NM_152594.3 (MANE Select); coding-DNA position 963, G replaced by A.
Protein change: p.Lys321=; no amino-acid change (lysine 321 retained).
Molecular consequence: synonymous variant.
Genome position (GRCh38, 1-based): chr15:38,351,292, G>A. VCF-style: chr15-38351292-G-A. GRCh37 (hg19) VCF-style: chr15-38643493-G-A.
Identifiers: ClinVar variation 315737 (VCV000315737.24), dbSNP rs369711772, ClinGen allele CA7470212.
Genomic context (GRCh38, chr15:38,351,292, plus strand): 5'-GTTAAGTTCACCCAAAGACTCTGTGGTATTTAAGACGCAGCCTTCCTCATTAAAAATTAA[G>A]AAGTCAAAACGAAGAAAAGAGGATGGTGAACGTTCTCGCTGCGTATACTGCCAGGAAAGG-3'
Protein context (NP_689807.1, residues 311-331): FKTQPSSLKI[Lys321=]KSKRRKEDGE